The following is an entry in ClinVar:

ClinVar aggregate classification (germline): Uncertain significance (1 of 4 stars; one submission).

Allele frequency attached by ClinVar (database versions not stated): gnomAD 0.00005; TOPMed 0.00005; ESP Exome Variant Server 0.00008; gnomAD exomes 0.00010; 1000 Genomes Project 30x 0.00016; ExAC 0.00016; 1000 Genomes Project 0.00020.

Submission:

Greenwood Genetic Center Diagnostic Laboratories, Greenwood Genetic Center
Classification: Uncertain significance. Last evaluated: 2020-11-03. Review status: criteria provided, single submitter. Criteria: ACMG Guidelines, 2015. Collection method: clinical testing. Allele origin: germline. Affected: yes.
Comment: PM2

NM_014669.5(NUP93):c.397A>G (p.Met133Val)

Gene: NUP93 (nucleoporin 93; plus strand). Cytogenetic location: 16q13.
Variant type: single nucleotide variant.
Coding change: c.397A>G on transcript NM_014669.5 (MANE Select); coding-DNA position 397, A replaced by G.
Protein change: p.Met133Val; replaces methionine 133 with valine.
Molecular consequence: missense variant.
Genome position (GRCh38, 1-based): chr16:56,805,540, A>G. VCF-style: chr16-56805540-A-G. GRCh37 (hg19) VCF-style: chr16-56839452-A-G.
Other names: c.28A>G, p.Met10Val (NM_001242795.2, NM_001242796.2); short protein forms M10V, M133V.
Identifiers: ClinVar variation 1331518 (VCV001331518.4), dbSNP rs149086354, ClinGen allele CA8068090.